The following is an entry in ClinVar:

NM_000057.4(BLM):c.857T>G (p.Val286Gly)

Gene: BLM (BLM RecQ like helicase; plus strand). Cytogenetic location: 15q26.1.
Variant type: single nucleotide variant.
Coding change: c.857T>G on transcript NM_000057.4 (MANE Select); coding-DNA position 857, T replaced by G.
Protein change: p.Val286Gly; replaces valine 286 with glycine.
Molecular consequence: missense variant. On other transcripts: 5 prime UTR variant (1).
Genome position (GRCh38, 1-based): chr15:90,751,844, T>G. VCF-style: chr15-90751844-T-G. GRCh37 (hg19) VCF-style: chr15-91295074-T-G.
Other names: c.857T>G, p.Val286Gly (NM_001287246.2, NM_001287247.2); c.-435T>G (NM_001287248.2); short protein forms V286G.
Identifiers: ClinVar variation 3224936 (VCV003224936.3), dbSNP rs2505399850, ClinGen allele CA393841743.

ClinVar aggregate classification (germline): Uncertain significance. Review status: criteria provided, multiple submitters, no conflicts (2 of 4 stars). 2 submissions from 2 submitters: Uncertain significance (2). Last evaluated 2024-10-22.

Conditions:
Hereditary cancer-predisposing syndrome. Also called: Neoplastic Syndromes, Hereditary; Tumor predisposition; Hereditary neoplastic syndrome; Hereditary Cancer Syndrome. Identifiers: Orphanet 140162, MedGen C0027672, MeSH D009386, MONDO:0015356.
Bloom syndrome (BLM). Also called: Bloom-Torre-Machacek syndrome. Identifiers: Orphanet 125, MedGen C0005859, MONDO:0008876, OMIM 210900.

Submissions (2):

Labcorp Genetics (formerly Invitae), Labcorp
Classification: Uncertain significance for Bloom syndrome. Last evaluated: 2024-10-22. Review status: criteria provided, single submitter. Criteria: Invitae Variant Classification Sherloc (09022015). Collection method: clinical testing. Allele origin: germline.
Comment: This sequence change replaces valine, which is neutral and non-polar, with glycine, which is neutral and non-polar, at codon 286 of the BLM protein (p.Val286Gly). This variant is not present in population databases (gnomAD no frequency). This variant has not been reported in the literature in individuals affected with BLM-related conditions. Invitae Evidence Modeling of protein sequence and biophysical properties (such as structural, functional, and spatial information, amino acid conservation, physicochemical variation, residue mobility, and thermodynamic stability) indicates that this missense variant is not expected to disrupt BLM protein function with a negative predictive value of 80%. In summary, the available evidence is currently insufficient to determine the role of this variant in disease. Therefore, it has been classified as a Variant of Uncertain Significance.

Ambry Genetics
Classification: Uncertain significance for Hereditary cancer-predisposing syndrome. Last evaluated: 2023-12-02. Review status: criteria provided, single submitter. Criteria: Ambry Variant Classification Scheme 2023. Collection method: clinical testing. Allele origin: germline.
Comment: The p.V286G variant (also known as c.857T>G), located in coding exon 3 of the BLM gene, results from a T to G substitution at nucleotide position 857. The valine at codon 286 is replaced by glycine, an amino acid with dissimilar properties. This amino acid position is conserved. In addition, this alteration is predicted to be tolerated by in silico analysis. Since supporting evidence is limited at this time, the clinical significance of this alteration remains unclear.